The following is an entry in ClinVar:

ClinVar aggregate classification (germline): Uncertain significance. Review status: criteria provided, multiple submitters, no conflicts (2 of 4 stars). 3 submissions from 3 submitters: Uncertain significance (3). Last evaluated 2024-09-23.

Conditions:
Inborn genetic diseases. Identifiers: MedGen C0950123, MeSH D030342.
Glycogen storage disease, type VII (GSD7). Also called: GSD VII; MUSCLE PHOSPHOFRUCTOKINASE DEFICIENCY; PFKM DEFICIENCY; TARUI DISEASE. Identifiers: Orphanet 371, MedGen C0017926, MONDO:0009295, OMIM 232800.

Allele frequency attached by ClinVar (database versions not stated): gnomAD 0.00003; TOPMed 0.00003; ExAC 0.00009; ESP Exome Variant Server 0.00015.
gnomAD v4.1: 97 of 1,614,026 alleles (0.006%); highest among the groups gnomAD compares: Non-Finnish European, 0.008%; no homozygotes.

Submissions (3):

Blueprint Genetics
Classification: Uncertain significance. Last evaluated: 2024-09-23. Review status: criteria provided, single submitter. Criteria: ACMG Guidelines, 2015. Collection method: clinical testing. Allele origin: germline.

Ambry Genetics
Classification: Uncertain significance for Inborn genetic diseases. Last evaluated: 2024-09-20. Review status: criteria provided, single submitter. Criteria: Ambry Variant Classification Scheme 2023. Collection method: clinical testing. Allele origin: germline.

Labcorp Genetics (formerly Invitae), Labcorp
Classification: Uncertain significance for Glycogen storage disease, type VII. Last evaluated: 2021-09-02. Review status: criteria provided, single submitter. Criteria: Invitae Variant Classification Sherloc (09022015). Collection method: clinical testing. Allele origin: germline.
Comment: This sequence change replaces threonine with serine at codon 291 of the PFKM protein (p.Thr291Ser). The threonine residue is highly conserved and there is a small physicochemical difference between threonine and serine. This variant is present in population databases (rs374834157, ExAC 0.02%). This variant has not been reported in the literature in individuals affected with PFKM-related conditions. Algorithms developed to predict the effect of missense changes on protein structure and function are either unavailable or do not agree on the potential impact of this missense change (SIFT: "Deleterious"; PolyPhen-2: "Possibly Damaging"; Align-GVGD: "Class C0"). In summary, the available evidence is currently insufficient to determine the role of this variant in disease. Therefore, it has been classified as a Variant of Uncertain Significance.

NM_000289.6(PFKM):c.872C>G (p.Thr291Ser)

Gene: PFKM (phosphofructokinase, muscle; plus strand). Cytogenetic location: 12q13.11.
Variant type: single nucleotide variant.
Coding change: c.872C>G on transcript NM_000289.6 (MANE Select); coding-DNA position 872, C replaced by G.
Protein change: p.Thr291Ser; replaces threonine 291 with serine.
Molecular consequence: missense variant. On other transcripts: non-coding transcript variant (6), intron variant (1).
Genome position (GRCh38, 1-based): chr12:48,135,319, C>G. VCF-style: chr12-48135319-C-G. GRCh37 (hg19) VCF-style: chr12-48529102-C-G.
Other names: c.872C>G (NM_000289.5); c.1085C>G, p.Thr362Ser (NM_001166686.2, NM_001354737.1, NM_001354738.1 and 1 more transcripts); c.872C>G, p.Thr291Ser (NM_001166687.2, NM_001166688.2, NM_001354742.2 and 3 more transcripts); c.1181C>G, p.Thr394Ser (NM_001354735.1, NM_001354736.1); c.1016C>G, p.Thr339Ser (NM_001354740.1); c.896C>G, p.Thr299Ser (NM_001354741.2); c.785C>G, p.Thr262Ser (NM_001354745.2); c.722C>G, p.Thr241Ser (NM_001354747.2, NM_001354748.2); and 1 more; short protein forms T339S, T291S, T241S, T299S, T362S, T394S, T262S.
Identifiers: ClinVar variation 2067983 (VCV002067983.3), dbSNP rs374834157, ClinGen allele CA6537137.